The following is an entry in ClinVar:

ClinVar aggregate classification (germline): Uncertain significance. Review status: criteria provided, multiple submitters, no conflicts (2 of 4 stars). 3 submissions from 3 submitters: Uncertain significance (3). Last evaluated 2025-05-21.

Conditions:
BAP1-related tumor predisposition syndrome (TPDS1). Also called: BAP1 tumor predisposition syndrome; TUMOR PREDISPOSITION SYNDROME 1; COMMON Syndrome; Tumor susceptibility linked to germline BAP1 mutations. Identifiers: Orphanet 289539, MedGen C3280492, MONDO:0013692, OMIM 614327.
Hereditary cancer-predisposing syndrome. Also called: Hereditary Cancer Syndrome; Hereditary neoplastic syndrome; Neoplastic Syndromes, Hereditary; Tumor predisposition. Identifiers: Orphanet 140162, MedGen C0027672, MeSH D009386, MONDO:0015356.

Allele frequency attached by ClinVar (database versions not stated): gnomAD exomes below 0.00001; TOPMed 0.00001.
gnomAD v4.1: 2 of 1,613,854 alleles (0.00012%); highest among the groups gnomAD compares: Non-Finnish European, 0.00017%; no homozygotes.

Submissions (3):

Labcorp Genetics (formerly Invitae), Labcorp
Classification: Uncertain significance for BAP1-related tumor predisposition syndrome. Last evaluated: 2025-05-21. Review status: criteria provided, single submitter. Criteria: Invitae Variant Classification Sherloc (09022015). Collection method: clinical testing. Allele origin: germline.
Comment: This sequence change replaces cysteine, which is neutral and slightly polar, with arginine, which is basic and polar, at codon 320 of the BAP1 protein (p.Cys320Arg). This variant is not present in population databases (gnomAD no frequency). This variant has not been reported in the literature in individuals affected with BAP1-related conditions. ClinVar contains an entry for this variant (Variation ID: 1430489). Invitae Evidence Modeling of protein sequence and biophysical properties (such as structural, functional, and spatial information, amino acid conservation, physicochemical variation, residue mobility, and thermodynamic stability) indicates that this missense variant is not expected to disrupt BAP1 protein function with a negative predictive value of 80%. In summary, the available evidence is currently insufficient to determine the role of this variant in disease. Therefore, it has been classified as a Variant of Uncertain Significance.

Ambry Genetics
Classification: Uncertain significance for Hereditary cancer-predisposing syndrome. Last evaluated: 2023-11-13. Review status: criteria provided, single submitter. Criteria: Ambry Variant Classification Scheme 2023. Collection method: clinical testing. Allele origin: germline.
Comment: The p.C320R variant (also known as c.958T>C), located in coding exon 11 of the BAP1 gene, results from a T to C substitution at nucleotide position 958. The cysteine at codon 320 is replaced by arginine, an amino acid with highly dissimilar properties. This amino acid position is well conserved in available vertebrate species. In addition, this alteration is predicted to be tolerated by in silico analysis. Since supporting evidence is limited at this time, the clinical significance of this alteration remains unclear.

Color Diagnostics, LLC DBA Color Health
Classification: Uncertain significance for Hereditary cancer-predisposing syndrome. Last evaluated: 2023-11-06. Review status: criteria provided, single submitter. Criteria: ACMG Guidelines, 2015. Collection method: clinical testing. Allele origin: germline.
Comment: This missense variant replaces cysteine with arginine at codon 320 of the BAP1 protein. Computational prediction suggests that this variant may not impact protein structure and function (internally defined REVEL score threshold <= 0.5, PMID: 27666373). To our knowledge, functional studies have not been reported for this variant. This variant has not been reported in individuals affected with BAP1-related disorders in the literature. This variant has not been identified in the general population by the Genome Aggregation Database (gnomAD). The available evidence is insufficient to determine the role of this variant in disease conclusively. Therefore, this variant is classified as a Variant of Uncertain Significance.

NM_004656.4(BAP1):c.958T>C (p.Cys320Arg)

Gene: BAP1 (BRCA1 associated deubiquitinase 1; minus strand). Cytogenetic location: 3p21.1.
Variant type: single nucleotide variant.
Coding change: c.958T>C on transcript NM_004656.4 (MANE Select); coding-DNA position 958, T replaced by C.
Protein change: p.Cys320Arg; replaces cysteine 320 with arginine.
Molecular consequence: missense variant.
Genome position (GRCh38, 1-based): chr3:52,405,268, A>G on the plus strand (T>C on the coding strand, the complement: BAP1 is on the minus strand). VCF-style: chr3-52405268-A-G. GRCh37 (hg19) VCF-style: chr3-52439284-A-G.
Other names: short protein forms C320R.
Identifiers: ClinVar variation 1430489 (VCV001430489.12), dbSNP rs1158601931, ClinGen allele CA353106250.